The following is an entry in ClinVar:

NM_002180.3(IGHMBP2):c.1737C>A (p.Phe579Leu)

Gene: IGHMBP2 (immunoglobulin mu DNA binding protein 2; plus strand). Cytogenetic location: 11q13.3.
Variant type: single nucleotide variant.
Coding change: c.1737C>A on transcript NM_002180.3 (MANE Select); coding-DNA position 1737, C replaced by A.
Protein change: p.Phe579Leu; replaces phenylalanine 579 with leucine.
Molecular consequence: missense variant.
Genome position (GRCh38, 1-based): chr11:68,935,403, C>A. VCF-style: chr11-68935403-C-A. GRCh37 (hg19) VCF-style: chr11-68702871-C-A.
Other names: short protein forms F579L.
Identifiers: ClinVar variation 245630 (VCV000245630.11), dbSNP rs368775789, ClinGen allele CA10584390.
Genomic context (GRCh38, chr11:68,935,403, plus strand): 5'-TGAAATCAAGTCTGTCGATGGCTTCCAAGGCCGAGAGAAGGAGGCCGTGATACTGTCCTT[C>A]GTCAGATCCAACAGGAAAGGTACGGAGCCCTCGCCAGAGTCCTTTGGGGACAGCACAGAA-3'
Protein context (NP_002171.2, residues 569-589): GREKEAVILS[Phe579Leu]VRSNRKGEVG

ClinVar aggregate classification (germline): Pathogenic/Likely pathogenic. Review status: criteria provided, multiple submitters, no conflicts (2 of 4 stars). 6 submissions from 6 submitters: Pathogenic (1); Likely pathogenic (4). 1 of the submissions does not count toward it. Last evaluated 2023-08-18.

Conditions:
Charcot-Marie-Tooth disease axonal type 2S. Also called: CHARCOT-MARIE-TOOTH NEUROPATHY, TYPE 2S; CHARCOT-MARIE-TOOTH DISEASE, AXONAL, AUTOSOMAL RECESSIVE, TYPE 2S. Identifiers: Orphanet 443073, MedGen C4015349, MONDO:0014511, OMIM 616155.
Autosomal recessive distal spinal muscular atrophy 1. Also called: NEURONOPATHY, SEVERE INFANTILE AXONAL, WITH RESPIRATORY FAILURE; SEVERE INFANTILE AXONAL NEUROPATHY WITH RESPIRATORY FAILURE; SPINAL MUSCULAR ATROPHY, DIAPHRAGMATIC; Spinal muscular atrophy with respiratory distress 1; HMN VI; NEURONOPATHY, DISTAL HEREDITARY MOTOR, HARDING TYPE VI. Identifiers: Orphanet 98920, MedGen C1858517, MONDO:0011436, OMIM 604320.

Allele frequency attached by ClinVar (database versions not stated): TOPMed 0.00001.
gnomAD v4.1: 2 of 1,614,112 alleles (0.00012%); highest among the groups gnomAD compares: East Asian, 0.0045%; no homozygotes.

Submissions (6):

Labcorp Genetics (formerly Invitae), Labcorp
Classification: Likely pathogenic for Autosomal recessive distal spinal muscular atrophy 1; Charcot-Marie-Tooth disease axonal type 2S. Last evaluated: 2023-08-18. Review status: criteria provided, single submitter. Criteria: Invitae Variant Classification Sherloc (09022015). Collection method: clinical testing. Allele origin: germline.
Comment: In summary, the currently available evidence indicates that the variant is pathogenic, but additional data are needed to prove that conclusively. Therefore, this variant has been classified as Likely Pathogenic. Algorithms developed to predict the effect of sequence changes on RNA splicing suggest that this variant may disrupt the consensus splice site. Advanced modeling of protein sequence and biophysical properties (such as structural, functional, and spatial information, amino acid conservation, physicochemical variation, residue mobility, and thermodynamic stability) performed at Invitae indicates that this missense variant is not expected to disrupt IGHMBP2 protein function. ClinVar contains an entry for this variant (Variation ID: 245630). This missense change has been observed in individual(s) with clinical features of IGHMBP2-related conditions (PMID: 28065684, 29653221). In at least one individual the data is consistent with being in trans (on the opposite chromosome) from a pathogenic variant. This variant is not present in population databases (gnomAD no frequency). This sequence change replaces phenylalanine, which is neutral and non-polar, with leucine, which is neutral and non-polar, at codon 579 of the IGHMBP2 protein (p.Phe579Leu).

Women's Health and Genetics/Laboratory Corporation of America, LabCorp
Classification: Likely pathogenic for Charcot-Marie-Tooth disease axonal type 2S. Last evaluated: 2023-08-10. Review status: criteria provided, single submitter. Criteria: LabCorp Variant Classification Summary - May 2015. Collection method: clinical testing. Allele origin: germline.
Comment: Variant summary: IGHMBP2 c.1737C>A (p.Phe579Leu) results in a non-conservative amino acid change located in the DNA2/NAM7 helicase-like, C-terminal (IPR041679) of the encoded protein sequence. Three of five in-silico tools predict a benign effect of the variant on protein function. The variant was absent in 251420 control chromosomes. c.1737C>A has been reported in the literature in an individual(s) affected with Charcot-Marie-Tooth Disease (Xie_2021), as well as in individuals with Spinal muscular atrophy with respiratory distress 1 (Wu_2018, Baughn_2011, Luan_2016), some of which were reported as compound heterozygous with (likely) pathogenic variants. These data indicate that the variant is likely to be associated with disease. To our knowledge, no experimental evidence demonstrating an impact on protein function has been reported. The following publications have been ascertained in the context of this evaluation (PMID: 34255403, 29653221, 21360834, 26922252). One submitter has cited a clinical-significance assessment for this variant to ClinVar after 2014 and has classified the variant as likely pathogenic. Based on the evidence outlined above, the variant was classified as likely pathogenic.

GeneDx
Classification: Likely pathogenic. Last evaluated: 2016-03-25. Review status: criteria provided, single submitter. Criteria: GeneDx Variant Classification (06012015). Collection method: clinical testing. Allele origin: germline. Affected: yes.
Comment: The F579L missense variant in the IGHMBP2 gene was not observed in approximately 6,400 individuals of European and African American ancestry in the NHLBI Exome Sequencing Project, indicating it is not a common benign variant in these populations. It is a conservative amino acid substitution, which is not likely to impact secondary protein structure as these residues share similar properties and in silico analysis predicts this variant likely does not alter the protein structure. However, this substitution occurs at a position where amino acids with similar properties to Phenylalanine are tolerated across species. In addition, this variant is predicted to be within the helicase domain where other missense variants in nearby residues have been reported in the Human Gene Mutation Database in association with SMARD1 (Stenson et al., 2014), supporting the functional importance of this region of the protein. Based on the current ACMG guidelines, this variant is considered likely pathogenic; however, the possibility that it is benign cannot be complete excluded.

Baylor Genetics
Classification: Pathogenic for Autosomal recessive distal spinal muscular atrophy 1. Review status: criteria provided, single submitter. Criteria: ACMG Guidelines, 2015. Collection method: clinical testing. Allele origin: unknown.

Juno Genomics, Hangzhou Juno Genomics, Inc
Classification: Likely pathogenic for Charcot-Marie-Tooth disease axonal type 2S; Autosomal recessive distal spinal muscular atrophy 1. Review status: criteria provided, single submitter. Criteria: ACMG Guidelines, 2015. Collection method: clinical testing. Allele origin: germline.
Comment: Absent from controls (or at extremely low frequency if recessive) in Genome Aggregation Database.;Multiple lines of computational evidence suggest no impact on gene or gene product.;For recessive disorders, detected in trans with a pathogenic variant.;Patient's phenotype or family history is highly specific for a disease with a single genetic etiology.;Located in a mutational hot spot and/or critical and well-established functional domain without benign variation.

Next Generation Genetic Polyclinic
Classification: Likely pathogenic for Autosomal recessive distal spinal muscular atrophy 1. Review status: no assertion criteria provided. Collection method: clinical testing. Allele origin: inherited. Affected: yes. Not counted in ClinVar's aggregate classification.

Literature cited by the submitters: PubMed 28065684 (cited by Labcorp Genetics (formerly Invitae), Labcorp); PubMed 29653221 (cited by Labcorp Genetics (formerly Invitae), Labcorp and Women's Health and Genetics/Laboratory Corporation of America, LabCorp); PubMed 34255403 (cited by Women's Health and Genetics/Laboratory Corporation of America, LabCorp); PubMed 21360834 (cited by Women's Health and Genetics/Laboratory Corporation of America, LabCorp); PubMed 26922252 (cited by Women's Health and Genetics/Laboratory Corporation of America, LabCorp).